The following is an entry in ClinVar:

NM_000517.6(HBA2):c.46G>T (p.Gly16Cys)

Genes: HBA2 (hemoglobin subunit alpha 2; plus strand), LOC106804612 (hemoglobin subunit alpha 2 recombination region; plus strand). Cytogenetic location: 16p13.3.
Variant type: single nucleotide variant.
Coding change: c.46G>T on transcript NM_000517.6 (MANE Select); coding-DNA position 46, G replaced by T.
Protein change: p.Gly16Cys; replaces glycine 16 with cysteine.
Molecular consequence: missense variant.
Genome position (GRCh38, 1-based): chr16:172,958, G>T. VCF-style: chr16-172958-G-T. GRCh37 (hg19) VCF-style: chr16-222957-G-T.
Other names: short protein forms G16C.
Identifiers: ClinVar variation 1683493 (VCV001683493.2), dbSNP rs281864811, ClinGen allele CA393993044.

ClinVar aggregate classification (germline): Likely pathogenic (0 of 4 stars; one submission).

Conditions:
alpha Thalassemia. Also called: Alpha thalassemia spectrum. Identifiers: Orphanet 846, MedGen C0002312, MONDO:0011399, OMIM 604131.

Submission:

Thalassemia Center, San Luigi University Hospital
Classification: Likely pathogenic for alpha Thalassemia. Review status: no assertion criteria provided. Collection method: clinical testing. Allele origin: unknown. Affected: yes. Observed: 1 heterozygote.
Comment: The HBA2:c.46G>T is believed to be pathogenic because it produces an hemoglobin variant (named Hb Orbassano), that can be detected by capillary electrophoresis (Hb Variant migrates in zone 13)